The following is an entry in ClinVar:

NM_001278716.2(FBXL4):c.1377C>T (p.Gly459=)

Gene: FBXL4 (F-box and leucine rich repeat protein 4; minus strand). Cytogenetic location: 6q16.1.
Variant type: single nucleotide variant.
Coding change: c.1377C>T on transcript NM_001278716.2 (MANE Select); coding-DNA position 1377, C replaced by T.
Protein change: p.Gly459=; no amino-acid change (glycine 459 retained).
Molecular consequence: synonymous variant. On other transcripts: non-coding transcript variant (1).
Genome position (GRCh38, 1-based): chr6:98,880,565, G>A on the plus strand (C>T on the coding strand, the complement: FBXL4 is on the minus strand). VCF-style: chr6-98880565-G-A. GRCh37 (hg19) VCF-style: chr6-99328441-G-A.
Other names: c.1377C>T, p.Gly459= (NM_012160.5).
Identifiers: ClinVar variation 2173610 (VCV002173610.4), dbSNP rs2534919392, ClinGen allele CA16021268.

ClinVar aggregate classification (germline): Uncertain significance (1 of 4 stars; one submission).

Submission:

Labcorp Genetics (formerly Invitae), Labcorp
Classification: Uncertain significance. Last evaluated: 2022-02-28. Review status: criteria provided, single submitter. Criteria: Invitae Variant Classification Sherloc (09022015). Collection method: clinical testing. Allele origin: germline.
Comment: This sequence change affects codon 459 of the FBXL4 mRNA. It is a 'silent' change, meaning that it does not change the encoded amino acid sequence of the FBXL4 protein. In summary, the available evidence is currently insufficient to determine the role of this variant in disease. Therefore, it has been classified as a Variant of Uncertain Significance. Algorithms developed to predict the effect of sequence changes on RNA splicing suggest that this variant may disrupt the consensus splice site. This variant has not been reported in the literature in individuals affected with FBXL4-related conditions. This variant is not present in population databases (gnomAD no frequency).